The following is an entry in ClinVar:

NM_000539.3(RHO):c.530+5T>C

Gene: RHO (rhodopsin; plus strand). Cytogenetic location: 3q22.1.
Variant type: single nucleotide variant.
Coding change: c.530+5T>C on transcript NM_000539.3 (MANE Select); 5 bases into the intron after coding-DNA position 530, T replaced by C.
Molecular consequence: intron variant.
Genome position (GRCh38, 1-based): chr3:129,531,049, T>C. VCF-style: chr3-129531049-T-C. GRCh37 (hg19) VCF-style: chr3-129249892-T-C.
Identifiers: ClinVar variation 425310 (VCV000425310.48), dbSNP rs759637818, ClinGen allele CA2607185.

ClinVar aggregate classification (germline): Conflicting classifications of pathogenicity. Review status: criteria provided, conflicting classifications (1 of 4 stars). 4 submissions from 4 submitters: Uncertain significance (1); Likely benign (2). 1 of the submissions does not count toward it. Last evaluated 2025-03-05.

Conditions:
Retinal dystrophy. Also called: Inherited retinal dystrophy. Identifiers: Orphanet 71862, MedGen C0854723, MeSH D058499, MONDO:0019118, HP:0000556.

Allele frequency attached by ClinVar (database versions not stated): TOPMed below 0.00001; gnomAD 0.00001; gnomAD exomes 0.00001 and 0.00002; ExAC 0.00002.
gnomAD v4.1: 28 of 1,613,062 alleles (0.0017%); highest among the groups gnomAD compares: Middle Eastern, 0.049%; no homozygotes.

Submissions (4):

Labcorp Genetics (formerly Invitae), Labcorp
Classification: Uncertain significance. Last evaluated: 2025-03-05. Review status: criteria provided, single submitter. Criteria: Invitae Variant Classification Sherloc (09022015). Collection method: clinical testing. Allele origin: germline.
Comment: This sequence change falls in intron 2 of the RHO gene. It does not directly change the encoded amino acid sequence of the RHO protein. It affects a nucleotide within the consensus splice site. This variant is present in population databases (rs759637818, gnomAD 0.005%). This variant has not been reported in the literature in individuals affected with RHO-related conditions. ClinVar contains an entry for this variant (Variation ID: 425310). Variants that disrupt the consensus splice site are a relatively common cause of aberrant splicing (PMID: 17576681, 9536098). Algorithms developed to predict the effect of sequence changes on RNA splicing suggest that this variant is not likely to affect RNA splicing. In summary, the available evidence is currently insufficient to determine the role of this variant in disease. Therefore, it has been classified as a Variant of Uncertain Significance.

Blueprint Genetics
Classification: Likely benign. Last evaluated: 2024-09-03. Review status: criteria provided, single submitter. Criteria: ACMG Guidelines, 2015. Collection method: clinical testing. Allele origin: germline.

CeGaT Center for Human Genetics Tuebingen
Classification: Likely benign. Last evaluated: 2024-09-01. Review status: criteria provided, single submitter. Criteria: CeGaT Center For Human Genetics Tuebingen Variant Classification Criteria Version 2. Collection method: clinical testing. Allele origin: germline. Affected: yes. Observed: 2 variant alleles.
Comment: RHO: BP4

Institute of Human Genetics, Univ. Regensburg, Univ. Regensburg
Classification: Uncertain significance for Retinal dystrophy. Last evaluated: 2022-01-01. Review status: no assertion criteria provided. Criteria: ACMG Guidelines, 2015. Collection method: clinical testing. Allele origin: germline. Affected: yes. Not counted in ClinVar's aggregate classification.

Literature cited by the submitters: PubMed 17576681 (cited by Labcorp Genetics (formerly Invitae), Labcorp); PubMed 9536098 (cited by Labcorp Genetics (formerly Invitae), Labcorp).